The following is an entry in ClinVar:

ClinVar aggregate classification (germline): Uncertain significance (1 of 4 stars; one submission).

Allele frequency attached by ClinVar (database versions not stated): ExAC 0.00001; gnomAD 0.00001; TOPMed 0.00001; gnomAD exomes 0.00004; ESP Exome Variant Server 0.00008.
gnomAD v4.1: 50 of 1,571,212 alleles (0.0032%); highest among the groups gnomAD compares: Non-Finnish European, 0.004%; no homozygotes.

Submission:

Labcorp Genetics (formerly Invitae), Labcorp
Classification: Uncertain significance. Last evaluated: 2025-09-08. Review status: criteria provided, single submitter. Criteria: Invitae Variant Classification Sherloc (09022015). Collection method: clinical testing. Allele origin: germline.
Comment: This sequence change replaces leucine, which is neutral and non-polar, with valine, which is neutral and non-polar, at codon 64 of the FAR1 protein (p.Leu64Val). This variant is present in population databases (rs148102733, gnomAD 0.008%). This variant has not been reported in the literature in individuals affected with FAR1-related conditions. ClinVar contains an entry for this variant (Variation ID: 1946328). An algorithm developed to predict the effect of missense changes on protein structure and function (PolyPhen-2) suggests that this variant is likely to be tolerated. In summary, the available evidence is currently insufficient to determine the role of this variant in disease. Therefore, it has been classified as a Variant of Uncertain Significance.

NM_032228.6(FAR1):c.190C>G (p.Leu64Val)

Gene: FAR1 (fatty acyl-CoA reductase 1; plus strand). Cytogenetic location: 11p15.3.
Variant type: single nucleotide variant.
Coding change: c.190C>G on transcript NM_032228.6 (MANE Select); coding-DNA position 190, C replaced by G.
Protein change: p.Leu64Val; replaces leucine 64 with valine.
Molecular consequence: missense variant.
Genome position (GRCh38, 1-based): chr11:13,700,317, C>G. VCF-style: chr11-13700317-C-G. GRCh37 (hg19) VCF-style: chr11-13721864-C-G.
Other names: short protein forms L64V.
Identifiers: ClinVar variation 1946328 (VCV001946328.5), dbSNP rs148102733, ClinGen allele CA5893275.